The following is an entry in ClinVar:

NM_178140.4(PDZD2):c.3732C>T (p.Ala1244=)

Gene: PDZD2 (PDZ domain containing 2; plus strand). Cytogenetic location: 5p13.3.
Variant type: single nucleotide variant.
Coding change: c.3732C>T on transcript NM_178140.4 (MANE Select); coding-DNA position 3732, C replaced by T.
Protein change: p.Ala1244=; no amino-acid change (alanine 1244 retained).
Molecular consequence: synonymous variant.
Genome position (GRCh38, 1-based): chr5:32,087,180, C>T. VCF-style: chr5-32087180-C-T. GRCh37 (hg19) VCF-style: chr5-32087286-C-T.
Identifiers: ClinVar variation 3040167 (VCV003040167.2), dbSNP rs146669014, ClinGen allele CA3219572.

ClinVar aggregate classification (germline): Likely benign (0 of 4 stars; one submission).

Conditions:
PDZD2-related disorder. Also called: PDZD2-related condition.

Allele frequency attached by ClinVar (database versions not stated): gnomAD 0.00043; ExAC 0.00045; TOPMed 0.00045; 1000 Genomes Project 0.00060; 1000 Genomes Project 30x 0.00062; ESP Exome Variant Server 0.00092.
gnomAD v4.1: 997 of 1,613,616 alleles (0.062%); highest among the groups gnomAD compares: Middle Eastern, 1.6%; 3 homozygotes.

Submission:

PreventionGenetics, part of Exact Sciences
Classification: Likely benign for PDZD2-related condition. Last evaluated: 2019-02-28. Review status: no assertion criteria provided. Collection method: clinical testing. Allele origin: germline.
Comment: This variant is classified as likely benign based on ACMG/AMP sequence variant interpretation guidelines (Richards et al. 2015 PMID: 25741868, with internal and published modifications).